The following is an entry in ClinVar:

ClinVar aggregate classification (germline): Conflicting classifications of pathogenicity. Review status: criteria provided, conflicting classifications (1 of 4 stars). 2 submissions from 2 submitters: Uncertain significance (1); Likely benign (1). Last evaluated 2024-10-08.

Conditions:
FG syndrome (FGS). Identifiers: MedGen C0220769, MONDO:0002010.
Familial thoracic aortic aneurysm and aortic dissection (TAAD). Also called: Thoracic aortic aneurysms and dissections. Identifiers: Orphanet 91387, MedGen C4707243, MONDO:0019625.

Allele frequency attached by ClinVar (database versions not stated): gnomAD exomes 0.00001; TOPMed 0.00001.
gnomAD v4.1: 9 of 1,209,727 alleles (0.00074%); highest among the groups gnomAD compares: Middle Eastern, 0.069%; no homozygotes.

Submissions (2):

Ambry Genetics
Classification: Uncertain significance for Familial thoracic aortic aneurysm and aortic dissection. Last evaluated: 2024-10-08. Review status: criteria provided, single submitter. Criteria: Ambry Variant Classification Scheme 2023. Collection method: clinical testing. Allele origin: germline.
Comment: The p.A78T variant (also known as c.232G>A), located in coding exon 3 of the MED12 gene, results from a G to A substitution at nucleotide position 232. The alanine at codon 78 is replaced by threonine, an amino acid with similar properties. This amino acid position is conserved. In addition, this alteration is predicted to be tolerated by in silico analysis. Based on the available evidence, the clinical significance of this variant remains unclear.

Labcorp Genetics (formerly Invitae), Labcorp
Classification: Likely benign for FG syndrome. Last evaluated: 2023-12-11. Review status: criteria provided, single submitter. Criteria: Invitae Variant Classification Sherloc (09022015). Collection method: clinical testing. Allele origin: germline.

NM_005120.3(MED12):c.232G>A (p.Ala78Thr)

Gene: MED12 (mediator complex subunit 12; plus strand). Cytogenetic location: Xq13.1.
Variant type: single nucleotide variant.
Coding change: c.232G>A on transcript NM_005120.3 (MANE Select); coding-DNA position 232, G replaced by A.
Protein change: p.Ala78Thr; replaces alanine 78 with threonine.
Molecular consequence: missense variant.
Genome position (GRCh38, 1-based): chrX:71,119,713, G>A. VCF-style: chrX-71119713-G-A. GRCh37 (hg19) VCF-style: chrX-70339563-G-A.
Other names: c.232G>A (NM_005120.2); short protein forms A78T.
Identifiers: ClinVar variation 2200421 (VCV002200421.5), dbSNP rs968474929, ClinGen allele CA330974934.